The following is an entry in ClinVar:

ClinVar aggregate classification (germline): Likely pathogenic (1 of 4 stars; one submission).

Submission:

Dasa
Classification: Likely pathogenic. Last evaluated: 2024-07-10. Review status: criteria provided, single submitter. Criteria: DASA Assertion Criteria. Collection method: clinical testing. Allele origin: germline.
Comment: NM_025265.4(TSEN2):c.1137-2A>G affects a canonical splice site and is predicted to disrupt normal RNA splicing, leading to loss of normal protein function. Loss-of-function is an established mechanism of disease for this gene. Multiple computational predictions support a deleterious effect on the gene or gene product. Based on the available data, this variant is classified as likely pathogenic.

NM_025265.4(TSEN2):c.1137-2A>G

Gene: TSEN2 (tRNA splicing endonuclease subunit 2; plus strand). Cytogenetic location: 3p25.2.
Variant type: single nucleotide variant.
Coding change: c.1137-2A>G on transcript NM_025265.4 (MANE Select); the canonical splice acceptor site of the intron before coding-DNA position 1137, A replaced by G.
Molecular consequence: splice acceptor variant.
Genome position (GRCh38, 1-based): chr3:12,529,760, A>G. VCF-style: chr3-12529760-A-G. GRCh37 (hg19) VCF-style: chr3-12571259-A-G.
Other names: c.1137-2A>G (NM_001321278.2, NM_001145392.2, NM_001321277.2); c.1059-2A>G (NM_001321279.2, NM_001145393.3); c.960-2A>G (NM_001145394.2).
Identifiers: ClinVar variation 4851860 (VCV004851860.1).
Genomic context (GRCh38, chr3:12,529,760, plus strand): 5'-TATTCTTTTTAAACAGATTTATTTCATGATTACTTTTAACATGCTTTTTCTGTATTTTCC[A>G]GTTATTCTGTCATTATCGAGCTAGTTGATGACCATTTTGAAGGCTCTCTCCGCAGGCCTC-3'